The following is an entry in ClinVar:

NM_207122.2(EXT2):c.22A>G (p.Asn8Asp)

Gene: EXT2 (exostosin glycosyltransferase 2; plus strand). Cytogenetic location: 11p11.2.
Variant type: single nucleotide variant.
Coding change: c.22A>G on transcript NM_207122.2 (MANE Select); coding-DNA position 22, A replaced by G.
Protein change: p.Asn8Asp; replaces asparagine 8 with aspartic acid.
Molecular consequence: missense variant.
Genome position (GRCh38, 1-based): chr11:44,107,734, A>G. VCF-style: chr11-44107734-A-G. GRCh37 (hg19) VCF-style: chr11-44129284-A-G.
Other names: c.22A>G, p.Asn8Asp (NM_001389630.1, NM_001178083.3, NM_001389628.1); c.121A>G, p.Asn41Asp (NM_000401.3); short protein forms N8D, N41D.
Identifiers: ClinVar variation 2908538 (VCV002908538.3), dbSNP rs2539514128, ClinGen allele CA380179452.

ClinVar aggregate classification (germline): Uncertain significance (1 of 4 stars; one submission).

Conditions:
Exostoses, multiple, type 2 (EXT2). Also called: Hereditary Multiple Osteochondromatosis, Type II; EXOSTOSES, MULTIPLE, TYPE II. Identifiers: Orphanet 321, MedGen C1851413, MONDO:0007586, OMIM 133701.

Submission:

Labcorp Genetics (formerly Invitae), Labcorp
Classification: Uncertain significance for Exostoses, multiple, type 2. Last evaluated: 2023-11-16. Review status: criteria provided, single submitter. Criteria: Invitae Variant Classification Sherloc (09022015). Collection method: clinical testing. Allele origin: germline.
Comment: This sequence change replaces asparagine, which is neutral and polar, with aspartic acid, which is acidic and polar, at codon 8 of the EXT2 protein (p.Asn8Asp). This variant is not present in population databases (gnomAD no frequency). This variant has not been reported in the literature in individuals affected with EXT2-related conditions. An algorithm developed to predict the effect of missense changes on protein structure and function (PolyPhen-2) suggests that this variant is likely to be tolerated. In summary, the available evidence is currently insufficient to determine the role of this variant in disease. Therefore, it has been classified as a Variant of Uncertain Significance.